The following is an entry in ClinVar:

NM_000393.5(COL5A2):c.2834G>A (p.Gly945Glu)

Gene: COL5A2 (collagen type V alpha 2 chain; minus strand). Cytogenetic location: 2q32.2.
Variant type: single nucleotide variant.
Coding change: c.2834G>A on transcript NM_000393.5 (MANE Select); coding-DNA position 2834, G replaced by A.
Protein change: p.Gly945Glu; replaces glycine 945 with glutamic acid.
Molecular consequence: missense variant.
Genome position (GRCh38, 1-based): chr2:189,051,417, C>T on the plus strand (G>A on the coding strand, the complement: COL5A2 is on the minus strand). VCF-style: chr2-189051417-C-T. GRCh37 (hg19) VCF-style: chr2-189916143-C-T.
Other names: short protein forms G945E.
Identifiers: ClinVar variation 459741 (VCV000459741.10), dbSNP rs868695034, ClinGen allele CA62595673.
Genomic context (GRCh38, chr2:189,051,417, plus strand): 5'-GGGCCACCAGGGGGGCCAGCTGGTCCTCGATCTCCCACACGCCCATGAGAGCCAGGGTCC[C>T]CACGAAGACCTGGAGGTCCCTCCTTCCCGGGTTCCCCTAGGGGTCCCGCAGGTCCTGGAG-3'
Protein context (NP_000384.2, residues 935-955): PGKEGPPGLR[Gly945Glu]DPGSHGRVGD

ClinVar aggregate classification (germline): Uncertain significance (1 of 4 stars; one submission).

Conditions:
Ehlers-Danlos syndrome, classic type, 1 (EDSCL1). Also called: EHLERS-DANLOS SYNDROME, GRAVIS TYPE; EHLERS-DANLOS SYNDROME, SEVERE CLASSIC TYPE; EDS I; Ehlers-Danlos Syndrome, Classic Type, COL5A1-Related; Ehlers-Danlos syndrome, type 1. Identifiers: MedGen C0268335, MONDO:0019567, OMIM 130000.

Submission:

Labcorp Genetics (formerly Invitae), Labcorp
Classification: Uncertain significance for Ehlers-Danlos syndrome, classic type, 1. Last evaluated: 2017-04-11. Review status: criteria provided, single submitter. Criteria: Invitae Variant Classification Sherloc (09022015). Collection method: clinical testing. Allele origin: germline.
Comment: In summary, this variant is a novel missense change affecting a residue that is critical for protein structure, stability and function. However, the available evidence is currently insufficient to determine its role in disease. Therefore, it has been classified as a Variant of Uncertain Significance. Glycine residues within the Gly-Xaa-Yaa repeats of the triple helix domain are required for the structure and stability of fibrillar collagens (PMID: 7695699, 8218237, 19344236), and missense variants at these glycine residues in COL5A2 are more frequently observed in individuals with disease than in the general population (PMID: 22696272, 23587214). However, the clinical significance of this observation remains uncertain since only a limited number of affected individuals have been described to date. Algorithms developed to predict the effect of missense changes on protein structure and function (SIFT, PolyPhen-2, Align-GVGD) all suggest that this variant is likely to be disruptive, but these predictions have not been confirmed by published functional studies. This variant is not present in population databases (ExAC no frequency) and has not been reported in the literature in individuals with a COL5A2-related disease. This sequence change replaces glycine with glutamic acid at codon 945 of the COL5A2 protein (p.Gly945Glu). The glycine residue is highly conserved and there is a moderate physicochemical difference between glycine and glutamic acid.

Literature cited by the submitters: PubMed 7695699; PubMed 8218237; PubMed 19344236; PubMed 22696272; PubMed 23587214.